The following is an entry in ClinVar:

ClinVar aggregate classification (germline): Likely benign (0 of 4 stars; one submission).

Conditions:
ADCY10-related disorder. Also called: ADCY10-related condition.

Allele frequency attached by ClinVar (database versions not stated): ExAC 0.00002; gnomAD 0.00003; gnomAD exomes 0.00003; TOPMed 0.00005.
gnomAD v4.1: 41 of 1,613,962 alleles (0.0025%); highest among the groups gnomAD compares: Admixed American, 0.01%; no homozygotes.

Submission:

PreventionGenetics, part of Exact Sciences
Classification: Likely benign for ADCY10-related condition. Last evaluated: 2019-03-29. Review status: no assertion criteria provided. Collection method: clinical testing. Allele origin: germline.
Comment: This variant is classified as likely benign based on ACMG/AMP sequence variant interpretation guidelines (Richards et al. 2015 PMID: 25741868, with internal and published modifications).

NM_018417.6(ADCY10):c.293-20C>T

Genes: ADCY10 (adenylate cyclase 10; minus strand), DCAF6 (DDB1 and CUL4 associated factor 6; plus strand). Cytogenetic location: 1q24.2.
Variant type: single nucleotide variant.
Coding change: c.293-20C>T on transcript NM_018417.6 (MANE Select); 20 bases into the intron before coding-DNA position 293, C replaced by T.
Molecular consequence: intron variant. On other transcripts: 5 prime UTR variant (1).
Genome position (GRCh38, 1-based): chr1:167,901,825, G>A on the plus strand (C>T on the coding strand, the complement: ADCY10 is on the minus strand). VCF-style: chr1-167901825-G-A. GRCh37 (hg19) VCF-style: chr1-167871063-G-A.
Other names: c.-4C>T (NM_001297772.2); c.-24+191C>T (NM_001167749.3).
Identifiers: ClinVar variation 3058198 (VCV003058198.2), dbSNP rs760380167, ClinGen allele CA1228318.